The following is an entry in ClinVar:

ClinVar aggregate classification (germline): Benign (1 of 4 stars; one submission).

Allele frequency attached by ClinVar (database versions not stated): gnomAD 0.01517.
gnomAD v4.1: 9,106 of 740,572 alleles (1.2%); highest among the groups gnomAD compares: Admixed American, 4.1%; 1,373 homozygotes.

Submission:

Unidad de Genómica Garrahan, Hospital de Pediatría Garrahan
Classification: Benign. Last evaluated: 2023-11-12. Review status: criteria provided, single submitter. Criteria: ACMG Guidelines, 2015. Collection method: clinical testing. Allele origin: germline. Affected: no. Observed: 21 variant alleles.
Comment: This variant is classified as Benign based on local population frequency. This variant was detected in 22% of patients studied by a panel of primary immunodeficiencies. Number of patients: 21. Only high quality variants are reported.

NM_001243133.2(NLRP3):c.2322-68T>C

Gene: NLRP3 (NLR family pyrin domain containing 3; plus strand). Cytogenetic location: 1q44.
Variant type: single nucleotide variant.
Coding change: c.2322-68T>C on transcript NM_001243133.2 (MANE Select); 68 bases into the intron before coding-DNA position 2322, T replaced by C.
Molecular consequence: intron variant.
Genome position (GRCh38, 1-based): chr1:247,434,035, T>C. VCF-style: chr1-247434035-T-C. GRCh37 (hg19) VCF-style: chr1-247597337-T-C.
Other names: c.2328-68T>C (NM_004895.5); c.2322-68T>C (NM_001127461.3, NM_001079821.3); c.2151-68T>C (NM_001127462.3, NM_183395.3).
Identifiers: ClinVar variation 2628284 (VCV002628284.2), dbSNP rs76317059, ClinGen allele CA40703637.